The following is an entry in ClinVar:

NM_001083962.2(TCF4):c.*4437G>C

Gene: TCF4 (transcription factor 4; minus strand). Cytogenetic location: 18q21.2.
Variant type: single nucleotide variant.
Coding change: c.*4437G>C on transcript NM_001083962.2 (MANE Select); 4437 bases downstream of the stop codon, G replaced by C.
Molecular consequence: 3 prime UTR variant.
Genome position (GRCh38, 1-based): chr18:55,223,598, C>G on the plus strand (G>C on the coding strand, the complement: TCF4 is on the minus strand). VCF-style: chr18-55223598-C-G. GRCh37 (hg19) VCF-style: chr18-52890829-C-G.
Other names: c.*4437G>C (NM_001243226.3, NM_001243227.2, NM_001243228.2 and 42 more transcripts).
Identifiers: ClinVar variation 891726 (VCV000891726.4), dbSNP rs61524834, ClinGen allele CA300788937.
Genomic context (GRCh38, chr18:55,223,598, plus strand): 5'-TTGACCAAGCTGGGTTTGTTTTTGTCTTGAAGGAACTCCAGCACACAACCTGTTTGGACA[C>G]TTCTACAAATCAGAAATACACCAAAAACATGAAAAAATCGAGGCACTCAGCCACACATTG-3'

ClinVar aggregate classification (germline): Benign (1 of 4 stars; one submission).

Conditions:
Pitt-Hopkins syndrome (PTHS). Also called: ENCEPHALOPATHY, SEVERE EPILEPTIC, WITH AUTONOMIC DYSFUNCTION; MENTAL RETARDATION, SYNDROMAL, WITH INTERMITTENT HYPERVENTILATION. Identifiers: Orphanet 2896, MedGen C1970431, MONDO:0012589, OMIM 610954.

Allele frequency attached by ClinVar (database versions not stated): gnomAD 0.00396 and 0.00436; TOPMed 0.00411; 1000 Genomes Project 0.00419; 1000 Genomes Project 30x 0.00484.

Submission:

Illumina Laboratory Services, Illumina
Classification: Benign for Pitt-Hopkins syndrome. Last evaluated: 2018-01-13. Review status: criteria provided, single submitter. Criteria: ICSL Variant Classification Criteria 13 December 2019. Collection method: clinical testing. Allele origin: germline.
Comment: This variant was observed in the ICSL laboratory as part of a predisposition screen in an ostensibly healthy population. It had not been previously curated by ICSL or reported in the Human Gene Mutation Database (HGMD: prior to June 1st, 2018), and was therefore a candidate for classification through an automated scoring system. Utilizing variant allele frequency, disease prevalence and penetrance estimates, and inheritance mode, an automated score was calculated to assess if this variant is too frequent to cause the disease. Based on the score and internal cut-off values, a variant classified as benign is not then subjected to further curation. The score for this variant resulted in a classification of benign for this disease.